The following is an entry in ClinVar:

NM_000321.3(RB1):c.1158G>T (p.Met386Ile)

Gene: RB1 (RB transcriptional corepressor 1; plus strand). Cytogenetic location: 13q14.2.
Variant type: single nucleotide variant.
Coding change: c.1158G>T on transcript NM_000321.3 (MANE Select); coding-DNA position 1158, G replaced by T.
Protein change: p.Met386Ile; replaces methionine 386 with isoleucine.
Molecular consequence: missense variant.
Genome position (GRCh38, 1-based): chr13:48,373,435, G>T. VCF-style: chr13-48373435-G-T. GRCh37 (hg19) VCF-style: chr13-48947571-G-T.
Other names: c.1158G>T, p.Met386Ile (NM_001407165.1, NM_001407166.1); short protein forms M386I.
Identifiers: ClinVar variation 2450511 (VCV002450511.2), dbSNP rs2138131069, ClinGen allele CA388161497.
Genomic context (GRCh38, chr13:48,373,435, plus strand): 5'-AACACATTTTCCTATTTTTATCCCCTCTAGGACTGTTATGAACACTATCCAACAATTAAT[G>T]ATGATTTTAAATTCAGCAAGTGATCAACCTTCAGAAAATCTGATTTCCTATTTTAACGTA-3'
Protein context (NP_000312.2, residues 376-396): RTVMNTIQQL[Met386Ile]MILNSASDQP

ClinVar aggregate classification (germline): Uncertain significance (1 of 4 stars; one submission).

Conditions:
Hereditary cancer-predisposing syndrome. Also called: Neoplastic Syndromes, Hereditary; Tumor predisposition; Hereditary neoplastic syndrome; Hereditary Cancer Syndrome. Identifiers: Orphanet 140162, MedGen C0027672, MeSH D009386, MONDO:0015356.

Submission:

Ambry Genetics
Classification: Uncertain significance for Hereditary cancer-predisposing syndrome. Last evaluated: 2023-01-22. Review status: criteria provided, single submitter. Criteria: Ambry Variant Classification Scheme 2023. Collection method: clinical testing. Allele origin: germline.
Comment: The p.M386I variant (also known as c.1158G>T), located in coding exon 12 of the RB1 gene, results from a G to T substitution at nucleotide position 1158. The methionine at codon 386 is replaced by isoleucine, an amino acid with highly similar properties. This amino acid position is conserved. In addition, this alteration is predicted to be tolerated by in silico analysis. Since supporting evidence is limited at this time, the clinical significance of this alteration remains unclear.